The following is an entry in ClinVar:

ClinVar aggregate classification (germline): Conflicting classifications of pathogenicity. Review status: criteria provided, conflicting classifications (1 of 4 stars). 8 submissions from 8 submitters: Pathogenic (2); Likely pathogenic (4); Uncertain significance (1). 1 of the submissions does not count toward it. Last evaluated 2025-10-06.

Conditions:
Amyotrophic lateral sclerosis type 5 (ALS5). Also called: AMYOTROPHIC LATERAL SCLEROSIS 5, JUVENILE. Identifiers: Orphanet 300605, MedGen C1865864, MONDO:0011196, OMIM 602099.
Hereditary spastic paraplegia 11. Also called: SPASTIC PARAPLEGIA, AUTOSOMAL RECESSIVE, COMPLICATED, WITH THIN CORPUS CALLOSUM; SPASTIC PARAPLEGIA, AUTOSOMAL RECESSIVE, WITH MENTAL IMPAIRMENT AND THIN CORPUS CALLOSUM; Spastic Paraplegia 11; Nakamura Osame syndrome; Autosomal recessive hereditary spastic paraplegia, mental impairment, and thin corpus callosum; Spastic paraplegia, mental retardation and thin corpus callosum. Identifiers: Orphanet 2822, MedGen C1858479, MONDO:0011445, OMIM 604360.
Charcot-Marie-Tooth disease axonal type 2X. Also called: CHARCOT-MARIE-TOOTH DISEASE, AXONAL, AUTOSOMAL RECESSIVE, TYPE 2X; CHARCOT-MARIE-TOOTH NEUROPATHY, TYPE 2X. Identifiers: Orphanet 466775, MedGen C5569024, MONDO:0014726, OMIM 616668.
Inborn genetic diseases. Identifiers: MedGen C0950123, MeSH D030342.
SPG11-related disorder. Also called: SPG11-related condition.
Hereditary spastic paraplegia. Also called: Familial spastic paraparesis. Identifiers: Orphanet 685, MedGen C0037773, MONDO:0019064. Disease mechanism: loss of function.

Submissions (8):

Labcorp Genetics (formerly Invitae), Labcorp
Classification: Pathogenic for Hereditary spastic paraplegia 11. Last evaluated: 2025-10-06. Review status: criteria provided, single submitter. Criteria: Invitae Variant Classification Sherloc (09022015). Collection method: clinical testing. Allele origin: germline.
Comment: This sequence change falls in intron 36 of the SPG11 gene. It does not directly change the encoded amino acid sequence of the SPG11 protein. It affects a nucleotide within the consensus splice site. This variant is present in population databases (rs759090170, gnomAD 0.007%). This variant has been observed in individual(s) with autosomal recessive hereditary spastic paraplegia (PMID: 18717728; internal data). In at least one individual the data is consistent with being in trans (on the opposite chromosome) from a pathogenic variant. ClinVar contains an entry for this variant (Variation ID: 534883). Variants that disrupt the consensus splice site are a relatively common cause of aberrant splicing (PMID: 17576681, 9536098). Algorithms developed to predict the effect of sequence changes on RNA splicing suggest that this variant may disrupt the consensus splice site. For these reasons, this variant has been classified as Pathogenic.

Blueprint Genetics
Classification: Pathogenic for SPG11-related disorders. Last evaluated: 2024-08-22. Review status: criteria provided, single submitter. Criteria: ACMG Guidelines, 2015. Collection method: clinical testing. Allele origin: germline. Affected: yes. Observed: 4 variant alleles.

Fulgent Genetics
Classification: Likely pathogenic for Amyotrophic lateral sclerosis type 5; Hereditary spastic paraplegia 11; Charcot-Marie-Tooth disease axonal type 2X. Last evaluated: 2024-04-09. Review status: criteria provided, single submitter. Criteria: ACMG Guidelines, 2015. Collection method: clinical testing. Allele origin: germline.

3billion
Classification: Likely pathogenic for Hereditary spastic paraplegia 11. Last evaluated: 2024-03-04. Review status: criteria provided, single submitter. Criteria: ACMG Guidelines, 2015. Collection method: clinical testing. Allele origin: germline. Affected: yes.
Comment: The variant is observed at an extremely low frequency in the gnomAD v2.1.1 dataset (total allele frequency: 0.003%). Predicted Consequence/Location: Intron variant In silico tools predict the variant to alter splicing and produce an abnormal transcript [SpliceAI: 0.96 (>=0.2, moderate evidence for spliceogenicity)]. The variant has been reported at least twice as pathogenic with clinical assertions and evidence for the classification (ClinVar ID: VCV000534883 /PMID: 18717728). Therefore, this variant is classified as Likely pathogenic according to the recommendation of ACMG/AMP guideline.

Women's Health and Genetics/Laboratory Corporation of America, LabCorp
Classification: Likely pathogenic for Hereditary spastic paraplegia. Last evaluated: 2023-06-19. Review status: criteria provided, single submitter. Criteria: LabCorp Variant Classification Summary - May 2015. Collection method: clinical testing. Allele origin: germline.
Comment: Variant summary: SPG11 c.6754+2_6754+3dupTG alters a non-conserved nucleotide located close to a canonical splice site and therefore could affect mRNA splicing, leading to a significantly altered protein sequence. Several computational tools predict the variant abolishes a canonical 5' splicing donor site and creates a new cryptic intronic one. However, these predictions have yet to be confirmed by functional studies. The variant allele was found at a frequency of 3.2e-05 in 251340 control chromosomes (gnomAD). c.6754+2_6754+3dupTG has been reported in the literature in compound heterozygous individuals affected with Hereditary Spastic Paraplegia, Type 11 (examples: Paisan-Ruiz_2008, Laurencin_2016) with at least one individual also affected with relapsing-remitting multiple sclerosis (Laurencin_2016). These data indicate that the variant is likely to be associated with disease. To our knowledge, no experimental evidence demonstrating an impact on protein function has been reported. The following publications have been ascertained in the context of this evaluation (PMID: 27180005, 18717728). Four submitters have cited clinical-significance assessments for this variant to ClinVar after 2014, classifying the variant as pathogenic (n=1), likely pathogenic (n=2), or uncertain significance (n=1). Based on the evidence outlined above, the variant was classified as likely pathogenic.

Ambry Genetics
Classification: Uncertain significance for Inborn genetic diseases. Last evaluated: 2022-08-03. Review status: criteria provided, single submitter. Criteria: Ambry Variant Classification Scheme 2023. Collection method: clinical testing. Allele origin: germline.
Comment: The c.6754+2_6754+3dupTG variant results from a duplication of 2 nucleotides between positions c.6754+2 and c.6754+3 and involves the canonical splice donor site after coding exon 36 of the SPG11 gene. In silico splice site analysis predicts that this alteration will weaken the native splice donor site; however, the exact impact of this duplication on SPG11 splicing and function is currently unknown. This alteration was detected in conjunction with a likely pathogenic variant in SPG11 in an individual with complex hereditary spastic paraplegia (Paisan-Ruiz C et al. Eur J Neurol, 2008 Oct;15:1065-70). This variant is considered to be rare based on population cohorts in the Genome Aggregation Database (gnomAD). Since supporting evidence is limited at this time, the clinical significance of this alteration remains unclear.

Victorian Clinical Genetics Services, Murdoch Childrens Research Institute
Classification: Likely pathogenic for Hereditary spastic paraplegia 11. Last evaluated: 2022-02-02. Review status: criteria provided, single submitter. Criteria: ACMG Guidelines, 2015. Collection method: clinical testing. Allele origin: germline. Inheritance: Autosomal recessive inheritance.
Comment: Based on the classification scheme VCGS_Germline_v1.3.4, this variant is classified as Likely pathogenic. Following criteria are met: 0102 - Loss of function is a known mechanism of disease in this gene and is associated with Charcot-Marie-Tooth disease, axonal, type 2X (MIM#6166), spastic paraplegia 11 (MIM#604360), and amyotrophic lateral sclerosis 5, juvenile, (MIM#602099). (I) 0106 - This gene is associated with autosomal recessive disease. (I) 0212 - Non-canonical splice site variant without proven consequence on splicing (no functional evidence available). (SP) 0251 - This variant is heterozygous. (I) 0302 - Variant is present in gnomAD (v2) <0.001 for a dominant condition (8 heterozygotes, 0 homozygotes). (SP) 0505 - Abnormal splicing is predicted by in silico tools and affected nucleotide is highly conserved. (SP) 0705 - No comparable non-canonical splice site variants have previous evidence for pathogenicity. (I) 0802 - This variant has moderate previous evidence of pathogenicity in unrelated individuals. This variant has been reported as likely pathogenic and as a variant of unknown significance in ClinVar. It has also been reported in the literature in two compound heterozygous individuals with hereditary spastic paraplegia (PMID: 27180005, 18717728). (SP) 0905 - No published segregation evidence has been identified for this variant. (I) 1007 - No published functional evidence has been identified for this variant. (I) Legend: (SP) - Supporting pathogenic, (I) - Information, (SB) - Supporting benign

Genomics England Pilot Project, Genomics England
Classification: Likely pathogenic for Hereditary spastic paraplegia 11. Review status: no assertion criteria provided. Criteria: ACGS Guidelines, 2016. Collection method: clinical testing. Allele origin: germline. Affected: yes. Not counted in ClinVar's aggregate classification.

Literature cited by the submitters: PubMed 18717728 (cited by 5 submitters); PubMed 17576681 (cited by Labcorp Genetics (formerly Invitae), Labcorp); PubMed 9536098 (cited by Labcorp Genetics (formerly Invitae), Labcorp); PubMed 27180005 (cited by Women's Health and Genetics/Laboratory Corporation of America, LabCorp and Victorian Clinical Genetics Services, Murdoch Childrens Research Institute).

NM_025137.4(SPG11):c.6754+2_6754+3dup

Gene: SPG11 (SPG11 vesicle trafficking associated, spatacsin; minus strand). Cytogenetic location: 15q21.1.
Variant type: Duplication.
Coding change: c.6754+2_6754+3dup on transcript NM_025137.4 (MANE Select); the canonical splice donor site of the intron after coding-DNA position 6754 through 3 bases into the intron after coding-DNA position 6754, 2 bases duplicated (TG; older notation c.6754+2_6754+3dupTG).
Molecular consequence: splice donor variant.
Genome position (GRCh38, 1-based): chr15:44,567,421-44,567,422, CA duplicated on the plus strand (TG on the coding strand, the reverse complement: SPG11 is on the minus strand); duplicating any 2 consecutive bases within chr15:44,567,421-44,567,423 gives the same sequence; the c. name uses the placement nearest the transcript's 3' end. VCF-style (leftmost placement, unchanged base first): chr15-44567420-T-TCA. GRCh37 (hg19) VCF-style: chr15-44859618-T-TCA.
Other names: c.6415+2_6415+3dup (NM_001160227.2); c.6754+2_6754+3dupTG (NM_025137.3).
Identifiers: ClinVar variation 534883 (VCV000534883.18), dbSNP rs759090170, ClinGen allele CA7534029.